The following is an entry in ClinVar:

ClinVar aggregate classification (germline): Uncertain significance (1 of 4 stars; one submission).

Conditions:
Hereditary breast ovarian cancer syndrome. Also called: Hereditary breast and ovarian cancer; Breast and ovarian cancer; BRCA1- and BRCA2-Associated Hereditary Breast and Ovarian Cancer; Hereditary breast and/or ovarian cancer syndrome; Hereditary breast and ovarian cancer syndrome; Hereditary breast and ovarian cancer syndrome (HBOC). Identifiers: Orphanet 145, MedGen C0677776, MeSH D061325, MONDO:0003582. Disease mechanism: loss of function.

Submission:

Labcorp Genetics (formerly Invitae), Labcorp
Classification: Uncertain significance for Hereditary breast ovarian cancer syndrome. Last evaluated: 2021-09-01. Review status: criteria provided, single submitter. Criteria: Invitae Variant Classification Sherloc (09022015). Collection method: clinical testing. Allele origin: germline.
Comment: This sequence change falls in intron 2 of the BRCA2 gene. It does not directly change the encoded amino acid sequence of the BRCA2 protein. This variant is not present in population databases (ExAC no frequency). This variant has not been reported in the literature in individuals affected with BRCA2-related conditions. Algorithms developed to predict the effect of sequence changes on RNA splicing suggest that this variant may create or strengthen a splice site. In summary, the available evidence is currently insufficient to determine the role of this variant in disease. Therefore, it has been classified as a Variant of Uncertain Significance.

NM_000059.4(BRCA2):c.68-750_68-14delinsGGAAATGGGAATTCTTAAAGGGAAATGACAAATTTGTCATTTCCCTTTAAGAA

Gene: BRCA2 (BRCA2 DNA repair associated; plus strand). Cytogenetic location: 13q13.1.
Variant type: Indel.
Coding change: c.68-750_68-14delinsGGAAATGGGAATTCTTAAAGGGAAATGACAAATTTGTCATTTCCCTTTAAGAA on transcript NM_000059.4 (MANE Select); 750 bases into the intron before coding-DNA position 68 through 14 bases into the intron before coding-DNA position 68, the reference bases replaced by an inserted sequence.
Molecular consequence: intron variant.
Genome position (GRCh38, 1-based): chr13:32,318,327-32,319,063, 737 bases replaced. GRCh37 (hg19): chr13:32,892,464-32,893,200.
Identifiers: ClinVar variation 1465381 (VCV001465381.6), dbSNP rs2138701795, ClinGen allele CA2573149267.